The following is an entry in ClinVar:

ClinVar aggregate classification (germline): Uncertain significance (1 of 4 stars; one submission).

Allele frequency attached by ClinVar (database versions not stated): gnomAD 0.00001; gnomAD exomes 0.00001.
gnomAD v4.1: 12 of 1,614,022 alleles (0.00074%); highest among the groups gnomAD compares: Non-Finnish European, 0.00093%; no homozygotes.

Submission:

Labcorp Genetics (formerly Invitae), Labcorp
Classification: Uncertain significance. Last evaluated: 2021-09-17. Review status: criteria provided, single submitter. Criteria: Invitae Variant Classification Sherloc (09022015). Collection method: clinical testing. Allele origin: germline.
Comment: This sequence change replaces glutamic acid with glutamine at codon 2503 of the COL7A1 protein (p.Glu2503Gln). The glutamic acid residue is moderately conserved and there is a small physicochemical difference between glutamic acid and glutamine. This variant is not present in population databases (ExAC no frequency). This variant has not been reported in the literature in individuals with COL7A1-related conditions. Algorithms developed to predict the effect of missense changes on protein structure and function are either unavailable or do not agree on the potential impact of this missense change (SIFT: "Tolerated"; PolyPhen-2: "Probably Damaging"; Align-GVGD: "Class C0"). In summary, the available evidence is currently insufficient to determine the role of this variant in disease. Therefore, it has been classified as a Variant of Uncertain Significance.

NM_000094.4(COL7A1):c.7507G>C (p.Glu2503Gln)

Gene: COL7A1 (collagen type VII alpha 1 chain; minus strand). Cytogenetic location: 3p21.31.
Variant type: single nucleotide variant.
Coding change: c.7507G>C on transcript NM_000094.4 (MANE Select); coding-DNA position 7507, G replaced by C.
Protein change: p.Glu2503Gln; replaces glutamic acid 2503 with glutamine.
Molecular consequence: missense variant.
Genome position (GRCh38, 1-based): chr3:48,569,894, C>G on the plus strand (G>C on the coding strand, the complement: COL7A1 is on the minus strand). VCF-style: chr3-48569894-C-G. GRCh37 (hg19) VCF-style: chr3-48607327-C-G.
Other names: short protein forms E2503Q.
Identifiers: ClinVar variation 2161658 (VCV002161658.1), dbSNP rs1428412164, ClinGen allele CA352645314.